The following is an entry in ClinVar:

ClinVar aggregate classification (germline): Benign/Likely benign. Review status: criteria provided, multiple submitters, no conflicts (2 of 4 stars). 3 submissions from 3 submitters: Benign (1); Likely benign (2). Last evaluated 2025-02-06.

Conditions:
Hereditary cancer-predisposing syndrome. Also called: Hereditary Cancer Syndrome; Hereditary neoplastic syndrome; Neoplastic Syndromes, Hereditary; Tumor predisposition. Identifiers: Orphanet 140162, MedGen C0027672, MeSH D009386, MONDO:0015356.
POLD1-related polyposis and colorectal cancer syndrome (CRCS10). Also called: Colorectal cancer, susceptibility to, 10; Colorectal cancer 10; COLORECTAL CANCER, SUSCEPTIBILITY TO, ON CHROMOSOME 19q. Identifiers: Orphanet 220460, MedGen C2675481, MONDO:0012953, OMIM 612591.

Allele frequency attached by ClinVar (database versions not stated): TOPMed below 0.00001.
gnomAD v4.1: 1 of 1,598,782 alleles (0.000063%); highest among the groups gnomAD compares: Non-Finnish European, 0.000085%; no homozygotes.

Submissions (3):

Myriad Genetics, Inc.
Classification: Benign for POLD1-related polyposis and colorectal cancer syndrome. Last evaluated: 2025-02-06. Review status: criteria provided, single submitter. Criteria: Myriad Autosomal Dominant, Autosomal Recessive and X-Linked Classification Criteria (2023). Collection method: clinical testing. Allele origin: unknown.
Comment: This variant is considered benign. This variant is a silent/synonymous amino acid change and it is not expected to impact splicing.

Labcorp Genetics (formerly Invitae), Labcorp
Classification: Likely benign for POLD1-related polyposis and colorectal cancer syndrome. Last evaluated: 2024-04-05. Review status: criteria provided, single submitter. Criteria: Invitae Variant Classification Sherloc (09022015). Collection method: clinical testing. Allele origin: germline.

Ambry Genetics
Classification: Likely benign for Hereditary cancer-predisposing syndrome. Last evaluated: 2019-10-19. Review status: criteria provided, single submitter. Criteria: Ambry Variant Classification Scheme 2023. Collection method: clinical testing. Allele origin: germline.

NM_002691.4(POLD1):c.1443C>T (p.Phe481=)

Gene: POLD1 (DNA polymerase delta 1, catalytic subunit; plus strand). Cytogenetic location: 19q13.33.
Variant type: single nucleotide variant.
Coding change: c.1443C>T on transcript NM_002691.4 (MANE Select); coding-DNA position 1443, C replaced by T.
Protein change: p.Phe481=; no amino-acid change (phenylalanine 481 retained).
Molecular consequence: synonymous variant. On other transcripts: non-coding transcript variant (1).
Genome position (GRCh38, 1-based): chr19:50,406,466, C>T. VCF-style: chr19-50406466-C-T. GRCh37 (hg19) VCF-style: chr19-50909723-C-T.
Other names: c.1443C>T, p.Phe481= (NM_001256849.1, NM_001308632.1).
Identifiers: ClinVar variation 819231 (VCV000819231.14), dbSNP rs1489180867, ClinGen allele CA508304691.